The following is an entry in ClinVar:

ClinVar aggregate classification (germline): Uncertain significance (1 of 4 stars; one submission).

Conditions:
Fanconi anemia (FA). Also called: Fanconi's anemia. Identifiers: Orphanet 84, MedGen C0015625, MeSH D005199, MONDO:0019391.

Submissions (2):

Labcorp Genetics (formerly Invitae), Labcorp
Classification: Uncertain significance for Fanconi anemia. Last evaluated: 2021-07-09. Review status: criteria provided, single submitter. Criteria: Invitae Variant Classification Sherloc (09022015). Collection method: clinical testing. Allele origin: germline.
Comment: This sequence change falls in intron 26 of the FANCD2 gene. It does not directly change the encoded amino acid sequence of the FANCD2 protein, but it affects a nucleotide within the consensus splice site of the intron. This variant is not present in population databases (ExAC no frequency). This variant has not been reported in the literature in individuals with FANCD2-related conditions. Nucleotide substitutions within the consensus splice site are a relatively common cause of aberrant splicing (PMID: 17576681, 9536098). Algorithms developed to predict the effect of sequence changes on RNA splicing suggest that this variant may disrupt the consensus splice site, but this prediction has not been confirmed by published transcriptional studies. In summary, the available evidence is currently insufficient to determine the role of this variant in disease. Therefore, it has been classified as a Variant of Uncertain Significance.

Dr. Peter K. Rogan Lab, Western University
No classification provided (evidence only). Condition: Cervical cancer. Review status: no classification provided. Collection method: in vitro. Allele origin: not applicable. Functional consequence: skipped exon, retained intron. Not counted in ClinVar's aggregate classification.

Literature cited by the submitters: PubMed 17576681 (cited by Labcorp Genetics (formerly Invitae), Labcorp); PubMed 9536098 (cited by Labcorp Genetics (formerly Invitae), Labcorp).

NM_001018115.3(FANCD2):c.2495-3C>A

Genes: FANCD2 (FA complementation group D2; plus strand), LOC107303338 (3p25 FANCD2 Alu-mediated recombination region; plus strand). Cytogenetic location: 3p25.3.
Variant type: single nucleotide variant.
Coding change: c.2495-3C>A on transcript NM_001018115.3 (MANE Select); 3 bases into the intron before coding-DNA position 2495, C replaced by A.
Molecular consequence: intron variant.
Genome position (GRCh38, 1-based): chr3:10,072,868, C>A. VCF-style: chr3-10072868-C-A. GRCh37 (hg19) VCF-style: chr3-10114552-C-A.
Other names: c.2495-3C>A (NM_001319984.2, NM_033084.6, NM_001374254.1); c.2384-3C>A (NM_001374253.1).
Identifiers: ClinVar variation 1051917 (VCV001051917.10), dbSNP rs2125047914, ClinGen allele CA2499216327.